The following is an entry in ClinVar:

ClinVar aggregate classification (germline): Uncertain significance. Review status: criteria provided, multiple submitters, no conflicts (2 of 4 stars). 2 submissions from 2 submitters: Uncertain significance (2). Last evaluated 2025-06-16.

Allele frequency attached by ClinVar (database versions not stated): TOPMed below 0.00001; gnomAD exomes 0.00001.
gnomAD v4.1: 8 of 1,610,770 alleles (0.0005%); highest among the groups gnomAD compares: Non-Finnish European, 0.00068%; no homozygotes.

Submissions (2):

Labcorp Genetics (formerly Invitae), Labcorp
Classification: Uncertain significance. Last evaluated: 2025-06-16. Review status: criteria provided, single submitter. Criteria: Invitae Variant Classification Sherloc (09022015). Collection method: clinical testing. Allele origin: germline.
Comment: This sequence change replaces leucine with methionine at codon 344 of the KCNK4 protein (p.Leu344Met). The leucine residue is moderately conserved and there is a small physicochemical difference between leucine and methionine. This variant is not present in population databases (gnomAD no frequency). This variant has not been reported in the literature in individuals affected with KCNK4-related conditions. ClinVar contains an entry for this variant (Variation ID: 1353430). An algorithm developed to predict the effect of missense changes on protein structure and function (PolyPhen-2) suggests that this variant is likely to be disruptive. In summary, the available evidence is currently insufficient to determine the role of this variant in disease. Therefore, it has been classified as a Variant of Uncertain Significance.

GeneDx
Classification: Uncertain significance. Last evaluated: 2023-05-10. Review status: criteria provided, single submitter. Criteria: GeneDx Variant Classification Process June 2021. Collection method: clinical testing. Allele origin: germline. Affected: yes.
Comment: Not observed at significant frequency in large population cohorts (gnomAD); In silico analysis supports that this missense variant does not alter protein structure/function; Has not been previously published as pathogenic or benign to our knowledge

NM_033310.3(KCNK4):c.1030C>A (p.Leu344Met)

Genes: KCNK4 (potassium two pore domain channel subfamily K member 4; plus strand), KCNK4-CATSPERZ (KCNK4-CATSPERZ readthrough (NMD candidate); plus strand). Cytogenetic location: 11q13.1.
Variant type: single nucleotide variant.
Coding change: c.1030C>A on transcript NM_033310.3 (MANE Select); coding-DNA position 1030, C replaced by A.
Protein change: p.Leu344Met; replaces leucine 344 with methionine.
Molecular consequence: missense variant. On other transcripts: non-coding transcript variant (3).
Genome position (GRCh38, 1-based): chr11:64,299,574, C>A. VCF-style: chr11-64299574-C-A. GRCh37 (hg19) VCF-style: chr11-64067046-C-A.
Other names: c.1030C>A, p.Leu344Met (NM_001317090.2); c.1030C>A (NM_033310.2); short protein forms L344M.
Identifiers: ClinVar variation 1353430 (VCV001353430.9), dbSNP rs1321226094, ClinGen allele CA381068909.
Genomic context (GRCh38, chr11:64,299,574, plus strand): 5'-GAGAAGGCTCAGCCGCCTTCCCCGCCCACGGCCTCGGCCCTGGATTATCCCAGCGAGAAC[C>A]TGGCCTTCATCGACGAGTCCTCGGATACGCAGAGCGAGCGCGGCTGCCCGCTGCCCCGCG-3'
Protein context (NP_201567.1, residues 334-354): ASALDYPSEN[Leu344Met]AFIDESSDTQ